The following is an entry in ClinVar:

ClinVar aggregate classification (germline): Conflicting classifications of pathogenicity. Review status: criteria provided, conflicting classifications (1 of 4 stars). 3 submissions from 3 submitters: Pathogenic (1); Likely pathogenic (1); Uncertain significance (1). Last evaluated 2026-10-21.

Conditions:
Neurofibromatosis, type 1 (NF1). Also called: Peripheral type neurofibromatosis; Neurofibromatosis, type I; VON RECKLINGHAUSEN DISEASE; NEUROFIBROMATOSIS, TYPE I, SOMATIC. Identifiers: Orphanet 636, MedGen C0027831, MONDO:0018975, OMIM 162200. Disease mechanism: loss of function.

Submissions (3):

GeneDx
Classification: Likely pathogenic. Last evaluated: 2026-10-21. Review status: criteria provided, single submitter. Criteria: GeneDx Variant Classification Process June 2021. Collection method: clinical testing. Allele origin: germline.
Comment: Not observed at significant frequency in large population cohorts (gnomAD); Intronic +5 splice site variant in a gene for which loss of function is a known mechanism of disease, and both splice predictors and evolutionary conservation support a deleterious effect, although in the absence of functional evidence the actual effect of this sequence change is unknown.; This variant is associated with the following publications: (PMID: Rabin2024[abstract])

Labcorp Genetics (formerly Invitae), Labcorp
Classification: Pathogenic for Neurofibromatosis, type 1. Last evaluated: 2025-12-22. Review status: criteria provided, single submitter. Criteria: Invitae Variant Classification Sherloc (09022015). Collection method: clinical testing. Allele origin: germline.
Comment: This sequence change falls in intron 11 of the NF1 gene. It does not directly change the encoded amino acid sequence of the NF1 protein. It affects a nucleotide within the consensus splice site. This variant is not present in population databases (gnomAD no frequency). This variant has been observed in individual(s) with clinical features of neurofibromatosis type 1 (internal data). In at least one individual the variant was observed to be de novo. Invitae Evidence Modeling of clinical and family history, age, sex, and reported ancestry of multiple individuals with this NF1 variant has been performed. This variant is expected to be pathogenic with a positive predictive value of at least 99%. This is a validated machine learning model that incorporates the clinical features of 1,785,918 individuals referred to our laboratory for NF1 testing. ClinVar contains an entry for this variant (Variation ID: 655355). Variants that disrupt the consensus splice site are a relatively common cause of aberrant splicing (PMID: 17576681, 9536098). Algorithms developed to predict the effect of sequence changes on RNA splicing suggest that this variant may disrupt the consensus splice site. For these reasons, this variant has been classified as Pathogenic.

Blueprint Genetics
Classification: Uncertain significance. Last evaluated: 2023-10-17. Review status: criteria provided, single submitter. Criteria: ACMG Guidelines, 2015. Collection method: clinical testing. Allele origin: germline.

Literature cited by the submitters: PubMed 17576681 (cited by Labcorp Genetics (formerly Invitae), Labcorp); PubMed 9536098 (cited by Labcorp Genetics (formerly Invitae), Labcorp).

NM_001042492.3(NF1):c.1260+2dup

Gene: NF1 (neurofibromin 1; plus strand). Cytogenetic location: 17q11.2.
Variant type: Duplication.
Coding change: c.1260+2dup on transcript NM_001042492.3 (MANE Select); the canonical splice donor site of the intron after coding-DNA position 1260, one base duplicated (T; older notation c.1260+2dupT).
Molecular consequence: splice donor variant.
Genome position (GRCh38, 1-based): chr17:31,201,487, T duplicated. VCF-style (leftmost placement, unchanged base first): chr17-31201486-G-GT. GRCh37 (hg19) VCF-style: chr17-29528504-G-GT.
Other names: c.1260+2dupT (NM_000267.3); c.1260+2dup (NM_000267.4, NM_001128147.3).
Identifiers: ClinVar variation 655355 (VCV000655355.8), dbSNP rs1597682922, ClinGen allele CA915949681.